The following is an entry in ClinVar:

NM_001271.4(CHD2):c.921C>A (p.Tyr307Ter)

Gene: CHD2 (chromodomain helicase DNA binding protein 2; plus strand). Cytogenetic location: 15q26.1.
Variant type: single nucleotide variant.
Coding change: c.921C>A on transcript NM_001271.4 (MANE Select); coding-DNA position 921, C replaced by A.
Protein change: p.Tyr307Ter; replaces tyrosine 307 with a stop codon.
Molecular consequence: nonsense.
Genome position (GRCh38, 1-based): chr15:92,942,937, C>A. VCF-style: chr15-92942937-C-A. GRCh37 (hg19) VCF-style: chr15-93486167-C-A.
Other names: c.921C>A, p.Tyr307Ter (NM_001042572.3); short protein forms Y307*.
Identifiers: ClinVar variation 1804491 (VCV001804491.1), dbSNP rs2505446917, ClinGen allele CA393901758.

ClinVar aggregate classification (germline): Likely pathogenic (1 of 4 stars; one submission).

Submission:

GeneDx
Classification: Likely pathogenic. Last evaluated: 2022-06-16. Review status: criteria provided, single submitter. Criteria: GeneDx Variant Classification Process June 2021. Collection method: clinical testing. Allele origin: germline. Affected: yes.
Comment: Nonsense variant predicted to result in protein truncation or nonsense mediated decay in a gene for which loss of function is a known mechanism of disease; Not observed at significant frequency in large population cohorts (gnomAD); Has not been previously published as pathogenic or benign to our knowledge